The following is an entry in ClinVar:

ClinVar aggregate classification (germline): Uncertain significance. Review status: criteria provided, multiple submitters, no conflicts (2 of 4 stars). 2 submissions from 2 submitters: Uncertain significance (2). Last evaluated 2025-12-18.

Allele frequency attached by ClinVar (database versions not stated): gnomAD 0.00001; TOPMed 0.00001.
gnomAD v4.1: 21 of 1,333,168 alleles (0.0016%); highest among the groups gnomAD compares: Non-Finnish European, 0.0019%; no homozygotes.

Submissions (2):

Labcorp Genetics (formerly Invitae), Labcorp
Classification: Uncertain significance. Last evaluated: 2025-12-18. Review status: criteria provided, single submitter. Criteria: Invitae Variant Classification Sherloc (09022015). Collection method: clinical testing. Allele origin: germline.
Comment: This sequence change replaces glycine, which is neutral and non-polar, with aspartic acid, which is acidic and polar, at codon 161 of the IRF2BP2 protein (p.Gly161Asp). This variant is not present in population databases (gnomAD no frequency). This variant has not been reported in the literature in individuals affected with IRF2BP2-related conditions. ClinVar contains an entry for this variant (Variation ID: 1400254). An algorithm developed to predict the effect of missense changes on protein structure and function (PolyPhen-2) suggests that this variant is likely to be disruptive. In summary, the available evidence is currently insufficient to determine the role of this variant in disease. Therefore, it has been classified as a Variant of Uncertain Significance.

Ambry Genetics
Classification: Uncertain significance. Last evaluated: 2024-11-15. Review status: criteria provided, single submitter. Criteria: Ambry Variant Classification Scheme 2023. Collection method: clinical testing. Allele origin: germline.

NM_182972.3(IRF2BP2):c.482G>A (p.Gly161Asp)

Genes: IRF2BP2 (interferon regulatory factor 2 binding protein 2; minus strand), LOC129932812 (ATAC-STARR-seq lymphoblastoid silent region 1977; plus strand). Cytogenetic location: 1q42.3.
Variant type: single nucleotide variant.
Coding change: c.482G>A on transcript NM_182972.3 (MANE Select); coding-DNA position 482, G replaced by A.
Protein change: p.Gly161Asp; replaces glycine 161 with aspartic acid.
Molecular consequence: missense variant.
Genome position (GRCh38, 1-based): chr1:234,609,013, C>T on the plus strand (G>A on the coding strand, the complement: IRF2BP2 is on the minus strand). VCF-style: chr1-234609013-C-T. GRCh37 (hg19) VCF-style: chr1-234744759-C-T.
Other names: c.482G>A (NM_182972.2); c.482G>A, p.Gly161Asp (NM_001077397.1); short protein forms G161D.
Identifiers: ClinVar variation 1400254 (VCV001400254.13), dbSNP rs995753768, ClinGen allele CA39546651.